The following is an entry in ClinVar:

ClinVar aggregate classification (germline): Likely benign. Review status: criteria provided, single submitter (1 of 4 stars). 2 submissions from 2 submitters: Likely benign (1). 1 of the submissions does not count toward it. Last evaluated 2025-04-28.

Conditions:
KIF7-related disorder. Also called: KIF7-related condition.
Acrocallosal syndrome (ACLS). Also called: HALLUX DUPLICATION, POSTAXIAL POLYDACTYLY, AND ABSENCE OF CORPUS CALLOSUM; Schinzel syndrome 1; Absence of corpus callosum with unusual facial appearance, mental deficiency, duplication of the halluces and polydactyly. Identifiers: Orphanet 36, MedGen C0796147, MONDO:0008708, OMIM 200990.

Allele frequency attached by ClinVar (database versions not stated): gnomAD 0.00001; TOPMed 0.00001; gnomAD exomes 0.00002.
gnomAD v4.1: 33 of 1,536,650 alleles (0.0021%); highest among the groups gnomAD compares: Middle Eastern, 0.019%; no homozygotes.

Submissions (2):

Labcorp Genetics (formerly Invitae), Labcorp
Classification: Likely benign for Acrocallosal syndrome. Last evaluated: 2025-04-28. Review status: criteria provided, single submitter. Criteria: Invitae Variant Classification Sherloc (09022015). Collection method: clinical testing. Allele origin: germline.

PreventionGenetics, part of Exact Sciences
Classification: Likely benign for KIF7-related condition. Last evaluated: 2020-09-02. Review status: no assertion criteria provided. Collection method: clinical testing. Allele origin: germline. Not counted in ClinVar's aggregate classification.
Comment: This variant is classified as likely benign based on ACMG/AMP sequence variant interpretation guidelines (Richards et al. 2015 PMID: 25741868, with internal and published modifications).

NM_198525.3(KIF7):c.918C>T (p.Ile306=)

Gene: KIF7 (kinesin family member 7; minus strand). Cytogenetic location: 15q26.1.
Variant type: single nucleotide variant.
Coding change: c.918C>T on transcript NM_198525.3 (MANE Select); coding-DNA position 918, C replaced by T.
Protein change: p.Ile306=; no amino-acid change (isoleucine 306 retained).
Molecular consequence: synonymous variant.
Genome position (GRCh38, 1-based): chr15:89,648,979, G>A on the plus strand (C>T on the coding strand, the complement: KIF7 is on the minus strand). VCF-style: chr15-89648979-G-A. GRCh37 (hg19) VCF-style: chr15-90192210-G-A.
Other names: c.918C>T (NM_198525.2).
Identifiers: ClinVar variation 2079106 (VCV002079106.6), dbSNP rs988090940, ClinGen allele CA274582731.